The following is an entry in ClinVar:

ClinVar aggregate classification (germline): Conflicting classifications of pathogenicity. Review status: criteria provided, conflicting classifications (1 of 4 stars). 4 submissions from 4 submitters: Uncertain significance (3); Likely benign (1). Last evaluated 2026-01-30.

Conditions:
Sessile serrated polyposis cancer syndrome (SSPCS). Identifiers: Orphanet 157798, MedGen C4310714, MONDO:0014919, OMIM 617108.

Allele frequency attached by ClinVar (database versions not stated): ExAC 0.00002; gnomAD 0.00002; gnomAD exomes 0.00002 and 0.00004; TOPMed 0.00002.
gnomAD v4.1: 64 of 1,610,566 alleles (0.004%); highest among the groups gnomAD compares: Non-Finnish European, 0.0053%; no homozygotes.

Submissions (4):

Labcorp Genetics (formerly Invitae), Labcorp
Classification: Uncertain significance. Last evaluated: 2026-01-30. Review status: criteria provided, single submitter. Criteria: Invitae Variant Classification Sherloc (09022015). Collection method: clinical testing. Allele origin: germline.
Comment: This sequence change replaces aspartic acid, which is acidic and polar, with asparagine, which is neutral and polar, at codon 97 of the RNF43 protein (p.Asp97Asn). This variant is present in population databases (rs771597876, gnomAD 0.005%). This variant has not been reported in the literature in individuals affected with RNF43-related conditions. ClinVar contains an entry for this variant (Variation ID: 960502). An algorithm developed to predict the effect of missense changes on protein structure and function (PolyPhen-2) suggests that this variant is likely to be disruptive. In summary, the available evidence is currently insufficient to determine the role of this variant in disease. Therefore, it has been classified as a Variant of Uncertain Significance.

Ambry Genetics
Classification: Likely benign. Last evaluated: 2025-02-07. Review status: criteria provided, single submitter. Criteria: Ambry Variant Classification Scheme 2023. Collection method: clinical testing. Allele origin: germline.

GeneDx
Classification: Uncertain significance. Last evaluated: 2024-02-16. Review status: criteria provided, single submitter. Criteria: GeneDx Variant Classification Process June 2021. Collection method: clinical testing. Allele origin: germline. Affected: yes.
Comment: In silico analysis supports that this missense variant does not alter protein structure/function; Has not been previously published as pathogenic or benign to our knowledge; Variants in candidate genes are classified as variants of uncertain significance in accordance with ACMG guidelines (PMID: 25741868)

Baylor Genetics
Classification: Uncertain significance for Sessile serrated polyposis cancer syndrome. Last evaluated: 2023-12-26. Review status: criteria provided, single submitter. Criteria: ACMG Guidelines, 2015. Collection method: clinical testing. Allele origin: unknown.

NM_017763.6(RNF43):c.289G>A (p.Asp97Asn)

Gene: RNF43 (ring finger protein 43; minus strand). Cytogenetic location: 17q22.
Variant type: single nucleotide variant.
Coding change: c.289G>A on transcript NM_017763.6 (MANE Select); coding-DNA position 289, G replaced by A.
Protein change: p.Asp97Asn; replaces aspartic acid 97 with asparagine.
Molecular consequence: missense variant.
Genome position (GRCh38, 1-based): chr17:58,370,997, C>T on the plus strand (G>A on the coding strand, the complement: RNF43 is on the minus strand). VCF-style: chr17-58370997-C-T. GRCh37 (hg19) VCF-style: chr17-56448358-C-T.
Other names: c.289G>A (NM_017763.4); c.289G>A, p.Asp97Asn (NM_001305544.3); c.-93G>A (NM_001305545.2); short protein forms D97N.
Identifiers: ClinVar variation 960502 (VCV000960502.11), dbSNP rs771597876, ClinGen allele CA8673472.
Genomic context (GRCh38, chr17:58,370,997, plus strand): 5'-GGGGGGCCCGTCGAGGACTCTCCAGCTTGACGATGCTGATGAATCCAGGCTCCAGATTGT[C>T]GTCATCACTGGCATTGCACAGGTACAGCGGGTGGGACTGCAGAGAGAGACAGACTTGGGT-3'
Protein context (NP_060233.3, residues 87-107): PLYLCNASDD[Asp97Asn]NLEPGFISIV